The following is an entry in ClinVar:

ClinVar aggregate classification (germline): Uncertain significance. Review status: criteria provided, multiple submitters, no conflicts (2 of 4 stars). 3 submissions from 3 submitters: Uncertain significance (3). Last evaluated 2025-01-30.

Conditions:
Meckel-Gruber syndrome. Also called: Dysencephalia splachnocystica; DYSENCEPHALIA SPLANCHNOCYSTICA; GRUBER SYNDROME. Identifiers: Orphanet 564, MedGen C0265215, MONDO:0018921.
Joubert syndrome. Also called: Familial aplasia of the vermis; CEREBELLOPARENCHYMAL DISORDER IV; JOUBERT-BOLTSHAUSER SYNDROME. Identifiers: Orphanet 475, MedGen C5979921, MONDO:0018772.
Joubert syndrome 13 (JBTS13). Identifiers: Orphanet 475, MedGen C3280031, MONDO:0013608, OMIM 614173.
Inborn genetic diseases. Identifiers: MedGen C0950123, MeSH D030342.

Allele frequency attached by ClinVar (database versions not stated): gnomAD 0.00002; TOPMed 0.00002; gnomAD exomes 0.00003 and 0.00004; ExAC 0.00005; ESP Exome Variant Server 0.00017.
gnomAD v4.1: 58 of 1,613,650 alleles (0.0036%); highest among the groups gnomAD compares: Admixed American, 0.005%; no homozygotes.

Submissions (3):

Ambry Genetics
Classification: Uncertain significance for Inborn genetic diseases. Last evaluated: 2025-01-30. Review status: criteria provided, single submitter. Criteria: Ambry Variant Classification Scheme 2023. Collection method: clinical testing. Allele origin: germline.

Labcorp Genetics (formerly Invitae), Labcorp
Classification: Uncertain significance for Joubert syndrome; Meckel-Gruber syndrome. Last evaluated: 2022-10-17. Review status: criteria provided, single submitter. Criteria: Invitae Variant Classification Sherloc (09022015). Collection method: clinical testing. Allele origin: germline.
Comment: In summary, the available evidence is currently insufficient to determine the role of this variant in disease. Therefore, it has been classified as a Variant of Uncertain Significance. Algorithms developed to predict the effect of missense changes on protein structure and function (SIFT, PolyPhen-2, Align-GVGD) all suggest that this variant is likely to be tolerated. ClinVar contains an entry for this variant (Variation ID: 307207). This variant has not been reported in the literature in individuals affected with TCTN1-related conditions. This variant is present in population databases (rs370252911, gnomAD 0.006%). This sequence change replaces tyrosine, which is neutral and polar, with asparagine, which is neutral and polar, at codon 192 of the TCTN1 protein (p.Tyr192Asn).

Illumina Laboratory Services, Illumina
Classification: Uncertain significance for Joubert syndrome 13. Last evaluated: 2018-01-12. Review status: criteria provided, single submitter. Criteria: ICSL Variant Classification Criteria 13 December 2019. Collection method: clinical testing. Allele origin: germline.

NM_001082538.3(TCTN1):c.574T>A (p.Tyr192Asn)

Gene: TCTN1 (tectonic family member 1; plus strand). Cytogenetic location: 12q24.11.
Variant type: single nucleotide variant.
Coding change: c.574T>A on transcript NM_001082538.3 (MANE Select); coding-DNA position 574, T replaced by A.
Protein change: p.Tyr192Asn; replaces tyrosine 192 with asparagine.
Molecular consequence: missense variant. On other transcripts: non-coding transcript variant (1).
Genome position (GRCh38, 1-based): chr12:110,628,868, T>A. VCF-style: chr12-110628868-T-A. GRCh37 (hg19) VCF-style: chr12-111066673-T-A.
Other names: c.574T>A, p.Tyr192Asn (NM_001082537.3, NM_001319680.2, NM_024549.6); c.406T>A, p.Tyr136Asn (NM_001173975.3, NM_001319682.3); c.394T>A, p.Tyr132Asn (NM_001173976.2); c.40T>A, p.Tyr14Asn (NM_001319681.2); short protein forms Y192N, Y14N, Y132N, Y136N.
Identifiers: ClinVar variation 307207 (VCV000307207.11), dbSNP rs370252911, ClinGen allele CA6786613.